The following is an entry in ClinVar:

NM_000022.4(ADA):c.224G>A (p.Cys75Tyr)

Gene: ADA (adenosine deaminase; minus strand). Cytogenetic location: 20q13.12.
Variant type: single nucleotide variant.
Coding change: c.224G>A on transcript NM_000022.4 (MANE Select); coding-DNA position 224, G replaced by A.
Protein change: p.Cys75Tyr; replaces cysteine 75 with tyrosine.
Molecular consequence: missense variant. On other transcripts: 5 prime UTR variant (1), non-coding transcript variant (1).
Genome position (GRCh38, 1-based): chr20:44,626,594, C>T on the plus strand (G>A on the coding strand, the complement: ADA is on the minus strand). VCF-style: chr20-44626594-C-T. GRCh37 (hg19) VCF-style: chr20-43255235-C-T.
Other names: c.-66G>A (NM_001322050.2); c.224G>A, p.Cys75Tyr (NM_001322051.2); short protein forms C75Y.
Identifiers: ClinVar variation 863240 (VCV000863240.9), dbSNP rs2065385037, ClinGen allele CA409121556.

ClinVar aggregate classification (germline): Uncertain significance. Review status: criteria provided, multiple submitters, no conflicts (2 of 4 stars). 2 submissions from 2 submitters: Uncertain significance (2). Last evaluated 2025-10-17.

Conditions:
Inborn genetic diseases. Identifiers: MedGen C0950123, MeSH D030342.
Severe combined immunodeficiency, autosomal recessive, T cell-negative, B cell-negative, NK cell-negative, due to adenosine deaminase deficiency. Also called: ADA-SCID; SCID DUE TO ADA DEFICIENCY; SCID DUE TO ADA DEFICIENCY, EARLY-ONSET; ADA deficiency; Adenosine deaminase deficient severe combined immunodeficiency; Severe combined immunodeficiency due to ADA deficiency. Identifiers: Orphanet 277, MedGen C0392607, MONDO:0007064, OMIM 102700.

Allele frequency attached by ClinVar (database versions not stated): gnomAD exomes below 0.00001.
gnomAD v4.1: 1 of 1,614,100 alleles (0.000062%); highest among the groups gnomAD compares: Non-Finnish European, 0.000085%; no homozygotes.

Submissions (2):

Ambry Genetics
Classification: Uncertain significance for Inborn genetic diseases. Last evaluated: 2025-10-17. Review status: criteria provided, single submitter. Criteria: Ambry Variant Classification Scheme 2023. Collection method: clinical testing. Allele origin: germline.

Labcorp Genetics (formerly Invitae), Labcorp
Classification: Uncertain significance for Severe combined immunodeficiency, autosomal recessive, T cell-negative, B cell-negative, NK cell-negative, due to adenosine deaminase deficiency. Last evaluated: 2021-08-02. Review status: criteria provided, single submitter. Criteria: Invitae Variant Classification Sherloc (09022015). Collection method: clinical testing. Allele origin: germline.
Comment: This sequence change replaces cysteine with tyrosine at codon 75 of the ADA protein (p.Cys75Tyr). The cysteine residue is weakly conserved and there is a large physicochemical difference between cysteine and tyrosine. This variant is not present in population databases (ExAC no frequency). This variant has not been reported in the literature in individuals with ADA-related conditions. Algorithms developed to predict the effect of missense changes on protein structure and function are either unavailable or do not agree on the potential impact of this missense change (SIFT: "Tolerated"; PolyPhen-2: "Possibly Damaging"; Align-GVGD: "Class C0"). In summary, the available evidence is currently insufficient to determine the role of this variant in disease. Therefore, it has been classified as a Variant of Uncertain Significance.